The following is an entry in ClinVar:

ClinVar aggregate classification (germline): Pathogenic (1 of 4 stars; one submission).

Conditions:
Complement hyperactivation-angiopathic thrombosis-protein-losing enteropathy syndrome. Also called: COMPLEMENT HYPERACTIVATION, ANGIOPATHIC THROMBOSIS, AND PROTEIN-LOSING ENTEROPATHY. Identifiers: Orphanet 566175, MedGen C4538570, MONDO:0009174, OMIM 226300.

Submission:

MVZ Medizinische Genetik Mainz
Classification: Pathogenic for Complement hyperactivation-angiopathic thrombosis-protein-losing enteropathy syndrome. Last evaluated: 2024-07-11. Review status: criteria provided, single submitter. Criteria: UK Practice Guidelines For Variant Classification V4 01 2020. Collection method: clinical testing. Allele origin: germline. Inheritance: Autosomal recessive inheritance. Observed: 1 variant allele.
Comment: ACMG Criteria: PVS1,PM2_SUP,PM3_SUP,PP4

NM_000574.5(CD55):c.98G>A (p.Trp33Ter)

Gene: CD55 (CD55 molecule (Cromer blood group); plus strand). Cytogenetic location: 1q32.2.
Variant type: single nucleotide variant.
Coding change: c.98G>A on transcript NM_000574.5 (MANE Select); coding-DNA position 98, G replaced by A.
Protein change: p.Trp33Ter; replaces tryptophan 33 with a stop codon.
Molecular consequence: nonsense. On other transcripts: non-coding transcript variant (1).
Genome position (GRCh38, 1-based): chr1:207,321,863, G>A. VCF-style: chr1-207321863-G-A. GRCh37 (hg19) VCF-style: chr1-207495208-G-A.
Other names: c.98G>A, p.Trp33Ter (NM_001114752.3, NM_001300902.2, NM_001300903.2 and 1 more transcripts); short protein forms W33*.
Identifiers: ClinVar variation 3338382 (VCV003338382.1).